The following is an entry in ClinVar:

ClinVar aggregate classification (germline): Likely benign (1 of 4 stars; one submission).

gnomAD v4.1: 40 of 1,611,058 alleles (0.0025%); highest among the groups gnomAD compares: Non-Finnish European, 0.0031%; no homozygotes.

Submission:

Mayo Clinic Laboratories, Mayo Clinic
Classification: Likely benign. Last evaluated: 2025-10-03. Review status: criteria provided, single submitter. Criteria: ACMG Guidelines, 2015. Collection method: clinical testing. Allele origin: germline. Observed: 1 variant allele.
Comment: BP4, BP7

NM_015175.3(NBEAL2):c.7464A>G (p.Ala2488=)

Gene: NBEAL2 (neurobeachin like 2; plus strand). Cytogenetic location: 3p21.31.
Variant type: single nucleotide variant.
Coding change: c.7464A>G on transcript NM_015175.3 (MANE Select); coding-DNA position 7464, A replaced by G.
Protein change: p.Ala2488=; no amino-acid change (alanine 2488 retained).
Molecular consequence: synonymous variant.
Genome position (GRCh38, 1-based): chr3:47,007,654, A>G. VCF-style: chr3-47007654-A-G. GRCh37 (hg19) VCF-style: chr3-47049144-A-G.
Other names: p.Ala2488=; c.7362A>G, p.Ala2454= (NM_001365116.2).
Identifiers: ClinVar variation 4684700 (VCV004684700.1).